The following is an entry in ClinVar:

NM_001903.5(CTNNA1):c.317C>G (p.Ala106Gly)

Gene: CTNNA1 (catenin alpha 1; plus strand). Cytogenetic location: 5q31.2.
Variant type: single nucleotide variant.
Coding change: c.317C>G on transcript NM_001903.5 (MANE Select); coding-DNA position 317, C replaced by G.
Protein change: p.Ala106Gly; replaces alanine 106 with glycine.
Molecular consequence: missense variant. On other transcripts: intron variant (1).
Genome position (GRCh38, 1-based): chr5:138,810,053, C>G. VCF-style: chr5-138810053-C-G. GRCh37 (hg19) VCF-style: chr5-138145742-C-G.
Other names: c.317C>G, p.Ala106Gly (NM_001290307.3, NM_001323982.2, NM_001323983.1 and 3 more transcripts); c.8C>G, p.Ala3Gly (NM_001290309.3); c.-5-48C>G (NM_001290310.3); short protein forms A3G, A106G.
Identifiers: ClinVar variation 5035001 (VCV005035001.1).

ClinVar aggregate classification (germline): Uncertain significance (1 of 4 stars; one submission).

Conditions:
Hereditary cancer-predisposing syndrome. Also called: Hereditary Cancer Syndrome; Neoplastic Syndromes, Hereditary; Tumor predisposition; Hereditary neoplastic syndrome. Identifiers: Orphanet 140162, MedGen C0027672, MeSH D009386, MONDO:0015356.

Submission:

Ambry Genetics
Classification: Uncertain significance for Hereditary cancer-predisposing syndrome. Last evaluated: 2026-08-04. Review status: criteria provided, single submitter. Criteria: Ambry Variant Classification Scheme 2023. Collection method: clinical testing. Allele origin: germline.
Comment: The p.A106G variant (also known as c.317C>G), located in coding exon 3 of the CTNNA1 gene, results from a C to G substitution at nucleotide position 317. The alanine at codon 106 is replaced by glycine, an amino acid with similar properties. This amino acid position is conserved. In addition, this alteration is predicted to be tolerated by in silico analysis. Based on the available evidence, the clinical significance of this variant remains unclear.